The following is an entry in ClinVar:

ClinVar aggregate classification (germline): Uncertain significance (1 of 4 stars; one submission).

Conditions:
Autosomal recessive limb-girdle muscular dystrophy type 2C (LGMDR5). Also called: MUSCULAR DYSTROPHY, LIMB-GIRDLE, AUTOSOMAL RECESSIVE 5; MUSCULAR DYSTROPHY, DUCHENNE-LIKE. Identifiers: Orphanet 353, MedGen C0410173, MONDO:0009677, OMIM 253700. Disease mechanism: Affects gamma-sarcoglycan and also disrupts the integrity of the entire sarcoglycan complex..

gnomAD v4.1: 2 of 1,587,746 alleles (0.00013%); highest among the groups gnomAD compares: Non-Finnish European, 0.00017%; no homozygotes.

Submission:

Labcorp Genetics (formerly Invitae), Labcorp
Classification: Uncertain significance for Autosomal recessive limb-girdle muscular dystrophy type 2C. Last evaluated: 2022-04-05. Review status: criteria provided, single submitter. Criteria: Invitae Variant Classification Sherloc (09022015). Collection method: clinical testing. Allele origin: germline.
Comment: This sequence change falls in intron 2 of the SGCG gene. It does not directly change the encoded amino acid sequence of the SGCG protein. It affects a nucleotide within the consensus splice site. This variant is not present in population databases (gnomAD no frequency). This variant has not been reported in the literature in individuals affected with SGCG-related conditions. Variants that disrupt the consensus splice site are a relatively common cause of aberrant splicing (PMID: 17576681, 9536098). Algorithms developed to predict the effect of sequence changes on RNA splicing suggest that this variant may create or strengthen a splice site. In summary, the available evidence is currently insufficient to determine the role of this variant in disease. Therefore, it has been classified as a Variant of Uncertain Significance.

Literature cited by the submitters: PubMed 17576681; PubMed 9536098.

NM_000231.3(SGCG):c.195+3A>G

Gene: SGCG (sarcoglycan gamma; plus strand). Cytogenetic location: 13q12.12.
Variant type: single nucleotide variant.
Coding change: c.195+3A>G on transcript NM_000231.3 (MANE Select); 3 bases into the intron after coding-DNA position 195, A replaced by G.
Molecular consequence: intron variant.
Genome position (GRCh38, 1-based): chr13:23,203,892, A>G. VCF-style: chr13-23203892-A-G. GRCh37 (hg19) VCF-style: chr13-23778031-A-G.
Other names: c.249+3A>G (NM_001378244.1); c.195+3A>G (NM_001378245.1, NM_001378246.1).
Identifiers: ClinVar variation 2183526 (VCV002183526.1), dbSNP rs1173625904, ClinGen allele CA2580086806.